The following is an entry in ClinVar:

NM_000384.3(APOB):c.10342A>G (p.Thr3448Ala)

Gene: APOB (apolipoprotein B; minus strand). Cytogenetic location: 2p24.1.
Variant type: single nucleotide variant.
Coding change: c.10342A>G on transcript NM_000384.3 (MANE Select); coding-DNA position 10342, A replaced by G.
Protein change: p.Thr3448Ala; replaces threonine 3448 with alanine.
Molecular consequence: missense variant.
Genome position (GRCh38, 1-based): chr2:21,006,526, T>C on the plus strand (A>G on the coding strand, the complement: APOB is on the minus strand). VCF-style: chr2-21006526-T-C. GRCh37 (hg19) VCF-style: chr2-21229398-T-C.
Other names: short protein forms T3448A.
Identifiers: ClinVar variation 4527615 (VCV004527615.1).
Genomic context (GRCh38, chr2:21,006,526, plus strand): 5'-TTGAAGAATTGAAATCATACTTAAATTCCATGGAGGAAGAGACAGTAGGTTTTGACTTGG[T>C]ATTTCCATTAAGTTCTTGCTTGAAATTCATTCTCAAAATTGGAATTTGGGCTTTTGTGGT-3'
Protein context (NP_000375.3, residues 3438-3458): MNFKQELNGN[Thr3448Ala]KSKPTVSSSM

ClinVar aggregate classification (germline): Uncertain significance (1 of 4 stars; one submission).

Submission:

GeneDx
Classification: Uncertain significance. Last evaluated: 2025-05-01. Review status: criteria provided, single submitter. Criteria: GeneDx Variant Classification Process June 2021. Collection method: clinical testing. Allele origin: germline. Affected: yes.
Comment: Not observed at significant frequency in large population cohorts (gnomAD); In silico analysis supports that this missense variant has a deleterious effect on protein structure/function; Has not been previously published as pathogenic or benign to our knowledge